The following is an entry in ClinVar:

NM_001379500.1(COL18A1):c.3835T>G (p.Ser1279Ala)

Genes: COL18A1 (collagen type XVIII alpha 1 chain; plus strand), SLC19A1 (solute carrier family 19 member 1; minus strand). Cytogenetic location: 21q22.3.
Variant type: single nucleotide variant.
Coding change: c.3835T>G on transcript NM_001379500.1 (MANE Select); coding-DNA position 3835, T replaced by G.
Protein change: p.Ser1279Ala; replaces serine 1279 with alanine.
Molecular consequence: missense variant.
Genome position (GRCh38, 1-based): chr21:45,512,213, T>G. VCF-style: chr21-45512213-T-G. GRCh37 (hg19) VCF-style: chr21-46932127-T-G.
Other names: c.4366T>G, p.Ser1456Ala (NM_030582.4); c.5071T>G, p.Ser1691Ala (NM_130444.3); c.4366T>G (NM_030582.3); short protein forms S1691A, S1279A, S1456A.
Identifiers: ClinVar variation 1507785 (VCV001507785.5), dbSNP rs200871316, ClinGen allele CA10068108.

ClinVar aggregate classification (germline): Conflicting classifications of pathogenicity. Review status: criteria provided, conflicting classifications (1 of 4 stars). 3 submissions from 3 submitters: Uncertain significance (2); Likely benign (1). Last evaluated 2026-04-15.

Conditions:
COL18A1-related disorder. Also called: COL18A1-related condition; COL18A1-related disorders.

Allele frequency attached by ClinVar (database versions not stated): TOPMed 0.00003; ESP Exome Variant Server 0.00008; gnomAD exomes 0.00010 and 0.00015; gnomAD 0.00013 and 0.00014; ExAC 0.00019.
gnomAD v4.1: 172 of 1,612,266 alleles (0.011%); highest among the groups gnomAD compares: Non-Finnish European, 0.0076%; no homozygotes.

Submissions (3):

PreventionGenetics, part of Exact Sciences
Classification: Uncertain significance for COL18A1-related condition. Last evaluated: 2026-04-15. Review status: criteria provided, single submitter. Criteria: ACMG Guidelines, 2015. Collection method: clinical testing. Allele origin: germline.
Comment: The COL18A1 c.4366T>G variant is predicted to result in the amino acid substitution p.Ser1456Ala. To our knowledge, this variant has not been reported in the literature. This variant is present in 0.098% of alleles in individuals of European (Finnish) descent in gnomAD, which may be too common to be an unreported cause of disease. Although we suspect that this variant may be benign, at this time, the clinical significance of this variant is uncertain due to the absence of conclusive functional and genetic evidence.

Blueprint Genetics
Classification: Likely benign. Last evaluated: 2023-01-12. Review status: criteria provided, single submitter. Criteria: ACMG Guidelines, 2015. Collection method: clinical testing. Allele origin: germline.

Labcorp Genetics (formerly Invitae), Labcorp
Classification: Uncertain significance. Last evaluated: 2022-08-22. Review status: criteria provided, single submitter. Criteria: Invitae Variant Classification Sherloc (09022015). Collection method: clinical testing. Allele origin: germline.
Comment: This sequence change replaces serine, which is neutral and polar, with alanine, which is neutral and non-polar, at codon 1276 of the COL18A1 protein (p.Ser1276Ala). This variant is present in population databases (rs200871316, gnomAD 0.09%). This variant has not been reported in the literature in individuals affected with COL18A1-related conditions. ClinVar contains an entry for this variant (Variation ID: 1507785). Experimental studies and prediction algorithms are not available or were not evaluated, and the functional significance of this variant is currently unknown. In summary, the available evidence is currently insufficient to determine the role of this variant in disease. Therefore, it has been classified as a Variant of Uncertain Significance.